The following is an entry in ClinVar:

ClinVar aggregate classification (germline): Uncertain significance (1 of 4 stars; one submission).

Conditions:
Familial thoracic aortic aneurysm and aortic dissection (TAAD). Also called: Thoracic aortic aneurysms and dissections. Identifiers: Orphanet 91387, MedGen C4707243, MONDO:0019625.

Submission:

Color Diagnostics, LLC DBA Color Health
Classification: Uncertain significance for Familial thoracic aortic aneurysm and aortic dissection. Last evaluated: 2023-03-15. Review status: criteria provided, single submitter. Criteria: ACMG Guidelines, 2015. Collection method: clinical testing. Allele origin: germline.
Comment: This missense variant replaces leucine with serine at codon 1018 of the MYH11 protein. Computational prediction is inconclusive regarding the impact of this variant on protein structure and function (internally defined REVEL score threshold 0.5 < inconclusive < 0.7, PMID: 27666373). To our knowledge, functional studies have not been reported for this variant. This variant has not been reported in individuals affected with MYH11-related disorders in the literature. This variant has not been identified in the general population by the Genome Aggregation Database (gnomAD). The available evidence is insufficient to determine the role of this variant in disease conclusively. Therefore, this variant is classified as a Variant of Uncertain Significance.

NM_002474.3(MYH11):c.3032T>C (p.Leu1011Ser)

Gene: MYH11 (myosin heavy chain 11; minus strand). Cytogenetic location: 16p13.11.
Variant type: single nucleotide variant.
Coding change: c.3032T>C on transcript NM_002474.3 (MANE Select); coding-DNA position 3032, T replaced by C.
Protein change: p.Leu1011Ser; replaces leucine 1011 with serine.
Molecular consequence: missense variant.
Genome position (GRCh38, 1-based): chr16:15,738,654, A>G on the plus strand (T>C on the coding strand, the complement: MYH11 is on the minus strand). VCF-style: chr16-15738654-A-G. GRCh37 (hg19) VCF-style: chr16-15832511-A-G.
Other names: c.3053T>C, p.Leu1018Ser (NM_001040113.2, NM_001040114.2); c.3032T>C, p.Leu1011Ser (NM_022844.3); short protein forms L1011S, L1018S.
Identifiers: ClinVar variation 2773830 (VCV002773830.2), dbSNP rs2506191977, ClinGen allele CA394863986.